The following is an entry in ClinVar:

ClinVar aggregate classification (germline): Uncertain significance. Review status: criteria provided, multiple submitters, no conflicts (2 of 4 stars). 2 submissions from 2 submitters: Uncertain significance (2). Last evaluated 2025-10-24.

Conditions:
Cardiovascular phenotype. Identifiers: MedGen CN230736.
Brugada syndrome. Also called: Sudden unexpected nocturnal death syndrome; Sudden unexplained nocturnal death syndrome; Sudden Unexplained Death Syndrome; Sudden Unexplained Nocturnal Death Syndrome (SUNDS). Identifiers: Orphanet 130, MedGen C1142166, MONDO:0015263.

Allele frequency attached by ClinVar (database versions not stated): gnomAD 0.00001; TOPMed 0.00001; gnomAD exomes below 0.00001; ExAC 0.00001.
gnomAD v4.1: 4 of 1,613,266 alleles (0.00025%); highest among the groups gnomAD compares: East Asian, 0.0022%; no homozygotes.

Submissions (2):

Labcorp Genetics (formerly Invitae), Labcorp
Classification: Uncertain significance for Brugada syndrome. Last evaluated: 2025-10-24. Review status: criteria provided, single submitter. Criteria: Invitae Variant Classification Sherloc (09022015). Collection method: clinical testing. Allele origin: germline.
Comment: This sequence change replaces proline, which is neutral and non-polar, with leucine, which is neutral and non-polar, at codon 332 of the SCN10A protein (p.Pro332Leu). This variant is present in population databases (rs748034773, gnomAD 0.003%). This variant has not been reported in the literature in individuals affected with SCN10A-related conditions. ClinVar contains an entry for this variant (Variation ID: 1768725). Invitae Evidence Modeling of protein sequence and biophysical properties (such as structural, functional, and spatial information, amino acid conservation, physicochemical variation, residue mobility, and thermodynamic stability) indicates that this missense variant is expected to disrupt SCN10A protein function with a positive predictive value of 80%. In summary, the available evidence is currently insufficient to determine the role of this variant in disease. Therefore, it has been classified as a Variant of Uncertain Significance.

Ambry Genetics
Classification: Uncertain significance for Cardiovascular phenotype. Last evaluated: 2025-10-05. Review status: criteria provided, single submitter. Criteria: Ambry Variant Classification Scheme 2023. Collection method: clinical testing. Allele origin: germline.
Comment: The p.P332L variant (also known as c.995C>T), located in coding exon 8 of the SCN10A gene, results from a C to T substitution at nucleotide position 995. The proline at codon 332 is replaced by leucine, an amino acid with similar properties. This variant has been detected in an autism cohort and a family with age-related macular degeneration (Patowary A et al. Transl Psychiatry, 2019 01;9:4; Ratnapriya R et al. Hum Mol Genet, 2020 Jul;29(12):2022-2034). This amino acid position is highly conserved in available vertebrate species. In addition, this alteration is predicted to be deleterious by in silico analysis. Since supporting evidence is limited at this time, the clinical significance of this alteration remains unclear.

Literature cited by the submitters: PubMed 30664616 (cited by Ambry Genetics); PubMed 32246154 (cited by Ambry Genetics).

NM_006514.4(SCN10A):c.995C>T (p.Pro332Leu)

Gene: SCN10A (sodium voltage-gated channel alpha subunit 10; minus strand). Cytogenetic location: 3p22.2.
Variant type: single nucleotide variant.
Coding change: c.995C>T on transcript NM_006514.4 (MANE Select); coding-DNA position 995, C replaced by T.
Protein change: p.Pro332Leu; replaces proline 332 with leucine.
Molecular consequence: missense variant.
Genome position (GRCh38, 1-based): chr3:38,757,115, G>A on the plus strand (C>T on the coding strand, the complement: SCN10A is on the minus strand). VCF-style: chr3-38757115-G-A. GRCh37 (hg19) VCF-style: chr3-38798606-G-A.
Other names: c.995C>T, p.Pro332Leu (NM_001293306.2, NM_001293307.2); short protein forms P332L.
Identifiers: ClinVar variation 1768725 (VCV001768725.5), dbSNP rs748034773, ClinGen allele CA2320998.